The following is an entry in ClinVar:

NM_004959.5(NR5A1):c.185G>C (p.Arg62Pro)

Gene: NR5A1 (nuclear receptor subfamily 5 group A member 1; minus strand). Cytogenetic location: 9q33.3.
Variant type: single nucleotide variant.
Coding change: c.185G>C on transcript NM_004959.5 (MANE Select); coding-DNA position 185, G replaced by C.
Protein change: p.Arg62Pro; replaces arginine 62 with proline.
Molecular consequence: missense variant.
Genome position (GRCh38, 1-based): chr9:124,503,138, C>G on the plus strand (G>C on the coding strand, the complement: NR5A1 is on the minus strand). VCF-style: chr9-124503138-C-G. GRCh37 (hg19) VCF-style: chr9-127265417-C-G.
Other names: short protein forms R62P.
Identifiers: ClinVar variation 1424533 (VCV001424533.6), dbSNP rs1832493571, ClinGen allele CA374890315.

ClinVar aggregate classification (germline): Uncertain significance (1 of 4 stars; one submission).

Conditions:
46 XY differences of sex development. Also called: 46, XY disorder of sex development (DSD); 46,XY disorder of sex development. Identifiers: Orphanet 98085, MedGen C2751824, MONDO:0020040.
Oligosynaptic infertility (SPGF1). Also called: SPERMATOGENIC FAILURE 1; OLIGOCHIASMATIC INFERTILITY. Identifiers: MedGen C0403810, MONDO:0009776, OMIM 258150.

Submission:

Labcorp Genetics (formerly Invitae), Labcorp
Classification: Uncertain significance for 46 XY differences of sex development; Oligosynaptic infertility. Last evaluated: 2021-11-04. Review status: criteria provided, single submitter. Criteria: Invitae Variant Classification Sherloc (09022015). Collection method: clinical testing. Allele origin: germline.
Comment: Algorithms developed to predict the effect of missense changes on protein structure and function are either unavailable or do not agree on the potential impact of this missense change (SIFT: "Deleterious"; PolyPhen-2: "Probably Damaging"; Align-GVGD: "Class C0"). This sequence change replaces arginine, which is basic and polar, with proline, which is neutral and non-polar, at codon 62 of the NR5A1 protein (p.Arg62Pro). This variant is not present in population databases (gnomAD no frequency). This missense change has been observed in individual(s) with 46 XY disorders of sex development (Invitae). This variant disrupts the p.Arg62 amino acid residue in NR5A1. Other variant(s) that disrupt this residue have been observed in individuals with NR5A1-related conditions (PMID: 23729601, 28938747), which suggests that this may be a clinically significant amino acid residue. In summary, the available evidence is currently insufficient to determine the role of this variant in disease. Therefore, it has been classified as a Variant of Uncertain Significance.

Literature cited by the submitters: PubMed 23729601; PubMed 28938747.